The following is an entry in ClinVar:

NM_006361.6(HOXB13):c.340C>T (p.Pro114Ser)

Gene: HOXB13 (homeobox B13; minus strand). Cytogenetic location: 17q21.32.
Variant type: single nucleotide variant.
Coding change: c.340C>T on transcript NM_006361.6 (MANE Select); coding-DNA position 340, C replaced by T.
Protein change: p.Pro114Ser; replaces proline 114 with serine.
Molecular consequence: missense variant.
Genome position (GRCh38, 1-based): chr17:48,728,254, G>A on the plus strand (C>T on the coding strand, the complement: HOXB13 is on the minus strand). VCF-style: chr17-48728254-G-A. GRCh37 (hg19) VCF-style: chr17-46805616-G-A.
Other names: short protein forms P114S.
Identifiers: ClinVar variation 968534 (VCV000968534.8), dbSNP rs751698154, ClinGen allele CA400107663.

ClinVar aggregate classification (germline): Conflicting classifications of pathogenicity. Review status: criteria provided, conflicting classifications (1 of 4 stars). 2 submissions from 2 submitters: Uncertain significance (1); Likely benign (1). Last evaluated 2024-11-08.

Conditions:
Hereditary cancer-predisposing syndrome. Also called: Hereditary neoplastic syndrome; Neoplastic Syndromes, Hereditary; Hereditary Cancer Syndrome; Tumor predisposition. Identifiers: Orphanet 140162, MedGen C0027672, MeSH D009386, MONDO:0015356.

Allele frequency attached by ClinVar (database versions not stated): TOPMed below 0.00001; gnomAD 0.00001.

Submissions (2):

Ambry Genetics
Classification: Likely benign for Hereditary cancer-predisposing syndrome. Last evaluated: 2024-11-08. Review status: criteria provided, single submitter. Criteria: Ambry Variant Classification Scheme 2023. Collection method: clinical testing. Allele origin: germline.

Labcorp Genetics (formerly Invitae), Labcorp
Classification: Uncertain significance. Last evaluated: 2023-08-17. Review status: criteria provided, single submitter. Criteria: Invitae Variant Classification Sherloc (09022015). Collection method: clinical testing. Allele origin: germline.
Comment: This variant is not present in population databases (gnomAD no frequency). In summary, the available evidence is currently insufficient to determine the role of this variant in disease. Therefore, it has been classified as a Variant of Uncertain Significance. Advanced modeling of protein sequence and biophysical properties (such as structural, functional, and spatial information, amino acid conservation, physicochemical variation, residue mobility, and thermodynamic stability) performed at Invitae indicates that this missense variant is not expected to disrupt HOXB13 protein function. ClinVar contains an entry for this variant (Variation ID: 968534). This variant has not been reported in the literature in individuals affected with HOXB13-related conditions. This sequence change replaces proline, which is neutral and non-polar, with serine, which is neutral and polar, at codon 114 of the HOXB13 protein (p.Pro114Ser).